The following is an entry in ClinVar:

ClinVar aggregate classification (germline): Uncertain significance (1 of 4 stars; one submission).

Conditions:
Axenfeld-Rieger syndrome type 3 (RIEG3). Also called: AXENFELD-RIEGER ANOMALY WITH CARDIAC DEFECTS AND/OR SENSORINEURAL HEARING LOSS. Identifiers: Orphanet 782, MedGen C2678503, MONDO:0011233, OMIM 602482.

Allele frequency attached by ClinVar (database versions not stated): TOPMed below 0.00001; gnomAD 0.00001; gnomAD exomes 0.00004; ExAC 0.00008.

Submission:

Labcorp Genetics (formerly Invitae), Labcorp
Classification: Uncertain significance for Axenfeld-Rieger syndrome type 3. Last evaluated: 2022-08-17. Review status: criteria provided, single submitter. Criteria: Invitae Variant Classification Sherloc (09022015). Collection method: clinical testing. Allele origin: germline.
Comment: In summary, the available evidence is currently insufficient to determine the role of this variant in disease. Therefore, it has been classified as a Variant of Uncertain Significance. Algorithms developed to predict the effect of missense changes on protein structure and function (SIFT, PolyPhen-2, Align-GVGD) all suggest that this variant is likely to be disruptive. This variant has not been reported in the literature in individuals affected with FOXC1-related conditions. This variant is present in population databases (rs751410971, gnomAD 0.04%), including at least one homozygous and/or hemizygous individual. This sequence change replaces aspartic acid, which is acidic and polar, with glycine, which is neutral and non-polar, at codon 261 of the FOXC1 protein (p.Asp261Gly).

NM_001453.3(FOXC1):c.782A>G (p.Asp261Gly)

Gene: FOXC1 (forkhead box C1; plus strand). Cytogenetic location: 6p25.3.
Variant type: single nucleotide variant.
Coding change: c.782A>G on transcript NM_001453.3 (MANE Select); coding-DNA position 782, A replaced by G.
Protein change: p.Asp261Gly; replaces aspartic acid 261 with glycine.
Molecular consequence: missense variant.
Genome position (GRCh38, 1-based): chr6:1,611,227, A>G. VCF-style: chr6-1611227-A-G. GRCh37 (hg19) VCF-style: chr6-1611462-A-G.
Other names: short protein forms D261G.
Identifiers: ClinVar variation 2155602 (VCV002155602.4), dbSNP rs751410971, ClinGen allele CA3614822.